The following is an entry in ClinVar:

ClinVar aggregate classification (germline): Uncertain significance (1 of 4 stars; one submission).

Submission:

CeGaT Center for Human Genetics Tuebingen
Classification: Uncertain significance. Last evaluated: 2026-07-01. Review status: criteria provided, single submitter. Criteria: CeGaT Center For Human Genetics Tuebingen Variant Classification Criteria Version 2. Collection method: clinical testing. Allele origin: germline. Affected: yes. Observed: 1 variant allele.
Comment: TAF6: PM2

NM_139315.3(TAF6):c.1256G>C (p.Gly419Ala)

Genes: AP4M1 (adaptor related protein complex 4 subunit mu 1; plus strand), TAF6 (TATA-box binding protein associated factor 6; minus strand). Cytogenetic location: 7q22.1.
Variant type: single nucleotide variant.
Coding change: c.1256G>C on transcript NM_139315.3 (MANE Select); coding-DNA position 1256, G replaced by C.
Protein change: p.Gly419Ala; replaces glycine 419 with alanine.
Molecular consequence: missense variant. On other transcripts: non-coding transcript variant (1).
Genome position (GRCh38, 1-based): chr7:100,109,976, C>G on the plus strand (G>C on the coding strand, the complement: TAF6 is on the minus strand). VCF-style: chr7-100109976-C-G. GRCh37 (hg19) VCF-style: chr7-99707599-C-G.
Other names: c.1367G>C, p.Gly456Ala (NM_001190415.2); c.1256G>C, p.Gly419Ala (NM_001364998.1, NM_001364999.1, NM_005641.4); c.1226G>C, p.Gly409Ala (NM_001365000.1, NM_001365001.1, NM_001365002.1 and 1 more transcripts); c.1394G>C, p.Gly465Ala (NM_001365004.1); short protein forms G409A, G419A, G456A, G465A.
Identifiers: ClinVar variation 5039657 (VCV005039657.1).